The following is an entry in ClinVar:

NM_174936.4(PCSK9):c.1556G>A (p.Gly519Asp)

Gene: PCSK9 (proprotein convertase subtilisin/kexin type 9; plus strand). Cytogenetic location: 1p32.3.
Variant type: single nucleotide variant.
Coding change: c.1556G>A on transcript NM_174936.4 (MANE Select); coding-DNA position 1556, G replaced by A.
Protein change: p.Gly519Asp; replaces glycine 519 with aspartic acid.
Molecular consequence: missense variant. On other transcripts: non-coding transcript variant (7), intron variant (1).
Genome position (GRCh38, 1-based): chr1:55,059,538, G>A. VCF-style: chr1-55059538-G-A. GRCh37 (hg19) VCF-style: chr1-55525211-G-A.
Other names: c.1364G>A, p.Gly455Asp (NM_001407245.1); c.1181G>A, p.Gly394Asp (NM_001407246.1); c.1679G>A, p.Gly560Asp (NM_001407240.1); c.1598G>A, p.Gly533Asp (NM_001407241.1); c.1559G>A, p.Gly520Asp (NM_001407242.1); c.1499G>A, p.Gly500Asp (NM_001407243.1); c.1382G>A, p.Gly461Asp (NM_001407244.1); c.1181-1837G>A (NM_001407247.1); short protein forms G519D, G533D, G560D, G520D, G455D, G500D, G394D, G461D.
Identifiers: ClinVar variation 3712878 (VCV003712878.2).
Genomic context (GRCh38, chr1:55,059,538, plus strand): 5'-ACTCTAAGGCCCAAGGGGGCAAGCTGGTCTGCCGGGCCCACAACGCTTTTGGGGGTGAGG[G>A]TGTCTACGCCATTGCCAGGTGCTGCCTGCTACCCCAGGCCAACTGCAGCGTCCACACAGC-3'
Protein context (NP_777596.2, residues 509-529): CRAHNAFGGE[Gly519Asp]VYAIARCCLL

ClinVar aggregate classification (germline): Uncertain significance (1 of 4 stars; one submission).

Conditions:
Hypercholesterolemia, autosomal dominant, 3 (FHCL3). Also called: Familial Hypercholesterolemia, Autosomal Dominant, 3; Familial hypercholesterolemia 3; PCSK9-Related Familial Hypercholesterolemia, Autosomal Dominant. Identifiers: MedGen C1863551, MONDO:0011369, OMIM 603776.

gnomAD v4.1: 2 of 1,562,546 alleles (0.00013%); highest among the groups gnomAD compares: South Asian, 0.0024%; no homozygotes.

Submission:

Labcorp Genetics (formerly Invitae), Labcorp
Classification: Uncertain significance for Hypercholesterolemia, autosomal dominant, 3. Last evaluated: 2024-08-28. Review status: criteria provided, single submitter. Criteria: Invitae Variant Classification Sherloc (09022015). Collection method: clinical testing. Allele origin: germline.
Comment: This sequence change replaces glycine, which is neutral and non-polar, with aspartic acid, which is acidic and polar, at codon 519 of the PCSK9 protein (p.Gly519Asp). This variant is not present in population databases (gnomAD no frequency). This variant has not been reported in the literature in individuals affected with PCSK9-related conditions. Invitae Evidence Modeling of protein sequence and biophysical properties (such as structural, functional, and spatial information, amino acid conservation, physicochemical variation, residue mobility, and thermodynamic stability) has been performed for this missense variant. However, the output from this modeling did not meet the statistical confidence thresholds required to predict the impact of this variant on PCSK9 protein function. In summary, the available evidence is currently insufficient to determine the role of this variant in disease. Therefore, it has been classified as a Variant of Uncertain Significance.